The following is an entry in ClinVar:

ClinVar aggregate classification (germline): Uncertain significance (1 of 4 stars; one submission).

Allele frequency attached by ClinVar (database versions not stated): gnomAD exomes below 0.00001.

Submission:

Labcorp Genetics (formerly Invitae), Labcorp
Classification: Uncertain significance. Last evaluated: 2022-11-20. Review status: criteria provided, single submitter. Criteria: Invitae Variant Classification Sherloc (09022015). Collection method: clinical testing. Allele origin: germline.
Comment: This variant is not present in population databases (gnomAD no frequency). In summary, the available evidence is currently insufficient to determine the role of this variant in disease. Therefore, it has been classified as a Variant of Uncertain Significance. Algorithms developed to predict the effect of missense changes on protein structure and function output the following: SIFT: "Tolerated"; PolyPhen-2: "Benign"; Align-GVGD: "Class C0". The aspartic acid amino acid residue is found in multiple mammalian species, which suggests that this missense change does not adversely affect protein function. This variant has not been reported in the literature in individuals affected with CFH-related conditions. This sequence change replaces glutamic acid, which is acidic and polar, with aspartic acid, which is acidic and polar, at codon 647 of the CFH protein (p.Glu647Asp).

NM_000186.4(CFH):c.1941A>C (p.Glu647Asp)

Gene: CFH (complement factor H; plus strand). Cytogenetic location: 1q31.3.
Variant type: single nucleotide variant.
Coding change: c.1941A>C on transcript NM_000186.4 (MANE Select); coding-DNA position 1941, A replaced by C.
Protein change: p.Glu647Asp; replaces glutamic acid 647 with aspartic acid.
Molecular consequence: missense variant.
Genome position (GRCh38, 1-based): chr1:196,726,537, A>C. VCF-style: chr1-196726537-A-C. GRCh37 (hg19) VCF-style: chr1-196695667-A-C.
Other names: short protein forms E647D.
Identifiers: ClinVar variation 2815465 (VCV002815465.3), dbSNP rs1669142041, ClinGen allele CA343987621.